The following is an entry in ClinVar:

NM_015909.4(NBAS):c.4997A>G (p.Tyr1666Cys)

Gene: NBAS (NBAS subunit of NRZ tethering complex; minus strand). Cytogenetic location: 2p24.3.
Variant type: single nucleotide variant.
Coding change: c.4997A>G on transcript NM_015909.4 (MANE Select); coding-DNA position 4997, A replaced by G.
Protein change: p.Tyr1666Cys; replaces tyrosine 1666 with cysteine.
Molecular consequence: missense variant. On other transcripts: non-coding transcript variant (1).
Genome position (GRCh38, 1-based): chr2:15,292,567, T>C on the plus strand (A>G on the coding strand, the complement: NBAS is on the minus strand). VCF-style: chr2-15292567-T-C. GRCh37 (hg19) VCF-style: chr2-15432691-T-C.
Other names: short protein forms Y1666C.
Identifiers: ClinVar variation 1928778 (VCV001928778.2), dbSNP rs773654358, ClinGen allele CA1535432.

ClinVar aggregate classification (germline): Uncertain significance (1 of 4 stars; one submission).

Allele frequency attached by ClinVar (database versions not stated): TOPMed below 0.00001; gnomAD 0.00001; gnomAD exomes 0.00001; ExAC 0.00002.
gnomAD v4.1: 7 of 1,614,112 alleles (0.00043%); highest among the groups gnomAD compares: Admixed American, 0.012%; no homozygotes.

Submission:

Labcorp Genetics (formerly Invitae), Labcorp
Classification: Uncertain significance. Last evaluated: 2022-07-12. Review status: criteria provided, single submitter. Criteria: Invitae Variant Classification Sherloc (09022015). Collection method: clinical testing. Allele origin: germline.
Comment: This sequence change replaces tyrosine, which is neutral and polar, with cysteine, which is neutral and slightly polar, at codon 1666 of the NBAS protein (p.Tyr1666Cys). This variant is present in population databases (rs773654358, gnomAD 0.02%). This variant has not been reported in the literature in individuals affected with NBAS-related conditions. Algorithms developed to predict the effect of missense changes on protein structure and function are either unavailable or do not agree on the potential impact of this missense change (SIFT: "Deleterious"; PolyPhen-2: "Benign"; Align-GVGD: "Class C65"). In summary, the available evidence is currently insufficient to determine the role of this variant in disease. Therefore, it has been classified as a Variant of Uncertain Significance.